The following is an entry in ClinVar:

NM_000051.4(ATM):c.5450G>A (p.Gly1817Glu)

Gene: ATM (ATM serine/threonine kinase; plus strand). Cytogenetic location: 11q22.3.
Variant type: single nucleotide variant.
Coding change: c.5450G>A on transcript NM_000051.4 (MANE Select); coding-DNA position 5450, G replaced by A.
Protein change: p.Gly1817Glu; replaces glycine 1817 with glutamic acid.
Molecular consequence: missense variant.
Genome position (GRCh38, 1-based): chr11:108,302,983, G>A. VCF-style: chr11-108302983-G-A. GRCh37 (hg19) VCF-style: chr11-108173710-G-A.
Other names: c.5450G>A, p.Gly1817Glu (NM_001351834.2); short protein forms G1817E.
Identifiers: ClinVar variation 968054 (VCV000968054.12), dbSNP rs2083506323, ClinGen allele CA382544227.

ClinVar aggregate classification (germline): Conflicting classifications of pathogenicity. Review status: criteria provided, conflicting classifications (1 of 4 stars). 3 submissions from 3 submitters: Uncertain significance (2); Likely benign (1). Last evaluated 2026-06-22.

Conditions:
Hereditary cancer-predisposing syndrome. Also called: Neoplastic Syndromes, Hereditary; Hereditary Cancer Syndrome; Tumor predisposition; Hereditary neoplastic syndrome. Identifiers: Orphanet 140162, MedGen C0027672, MeSH D009386, MONDO:0015356.
Ataxia-telangiectasia syndrome (AT). Also called: LOUIS-BAR SYNDROME; AT, COMPLEMENTATION GROUP C; Ataxia telangiectasia (A-T); Cerebello-oculocutaneous telangiectasia; Immunodeficiency with ataxia telangiectasia; Ataxia-telangiectasia. Identifiers: Orphanet 100, MedGen C0004135, MONDO:0008840, OMIM 208900.

Submissions (3):

Ambry Genetics
Classification: Uncertain significance for Hereditary cancer-predisposing syndrome. Last evaluated: 2026-06-22. Review status: criteria provided, single submitter. Criteria: Ambry Variant Classification Scheme 2023. Collection method: clinical testing. Allele origin: germline.
Comment: The p.G1817E variant (also known as c.5450G>A), located in coding exon 35 of the ATM gene, results from a G to A substitution at nucleotide position 5450. The glycine at codon 1817 is replaced by glutamic acid, an amino acid with similar properties. In an assay testing ATM function, this variant showed a functionally normal result (Lee KS et al. Cell, 2025 Sep;188:5081-5099.e27). This amino acid position is highly conserved in available vertebrate species. In addition, the in silico prediction for this alteration is inconclusive. Based on the available evidence, the clinical significance of this variant remains unclear.

Labcorp Genetics (formerly Invitae), Labcorp
Classification: Likely benign for Ataxia-telangiectasia syndrome. Last evaluated: 2021-10-18. Review status: criteria provided, single submitter. Criteria: Invitae Variant Classification Sherloc (09022015). Collection method: clinical testing. Allele origin: germline.

GeneDx
Classification: Uncertain significance. Last evaluated: 2020-02-27. Review status: criteria provided, single submitter. Criteria: GeneDx Variant Classification Process June 2021. Collection method: clinical testing. Allele origin: germline. Affected: yes.
Comment: Not observed in large population cohorts (Lek et al., 2016); In silico analysis supports that this missense variant has a deleterious effect on protein structure/function; Has not been previously published as pathogenic or benign to our knowledge

Literature cited by the submitters: PubMed 40580951 (cited by Ambry Genetics).